The following is an entry in ClinVar:

ClinVar aggregate classification (germline): Benign/Likely benign. Review status: criteria provided, multiple submitters, no conflicts (2 of 4 stars). 4 submissions from 4 submitters: Benign (1); Likely benign (3). Last evaluated 2026-05-15.

Conditions:
Neurofibromatosis, type 1 (NF1). Also called: NEUROFIBROMATOSIS, TYPE I, SOMATIC; Peripheral type neurofibromatosis; VON RECKLINGHAUSEN DISEASE; Neurofibromatosis, type I. Identifiers: Orphanet 636, MedGen C0027831, MONDO:0018975, OMIM 162200. Disease mechanism: loss of function.
Cardiovascular phenotype. Identifiers: MedGen CN230736.
Hereditary cancer-predisposing syndrome. Also called: Tumor predisposition; Hereditary Cancer Syndrome; Hereditary neoplastic syndrome; Neoplastic Syndromes, Hereditary. Identifiers: Orphanet 140162, MedGen C0027672, MeSH D009386, MONDO:0015356.

Allele frequency attached by ClinVar (database versions not stated): gnomAD exomes below 0.00001.
gnomAD v4.1: 1 of 1,613,916 alleles (0.000062%); highest among the groups gnomAD compares: Admixed American, 0.0017%; no homozygotes.

Submissions (4):

Myriad Genetics, Inc.
Classification: Benign for Neurofibromatosis, type 1. Last evaluated: 2026-05-15. Review status: criteria provided, single submitter. Criteria: Myriad Autosomal Dominant, Autosomal Recessive and X-Linked Classification Criteria (2023). Collection method: clinical testing. Allele origin: unknown.
Comment: This variant is considered benign. This variant is a silent/synonymous amino acid change and it is not expected to impact splicing.

Labcorp Genetics (formerly Invitae), Labcorp
Classification: Likely benign for Neurofibromatosis, type 1. Last evaluated: 2026-01-25. Review status: criteria provided, single submitter. Criteria: Invitae Variant Classification Sherloc (09022015). Collection method: clinical testing. Allele origin: germline.

Genome-Nilou Lab
Classification: Likely benign for Neurofibromatosis, type 1. Last evaluated: 2022-03-15. Review status: criteria provided, single submitter. Criteria: ACMG Guidelines, 2015. Collection method: clinical testing. Allele origin: germline. Affected: no.

Ambry Genetics
Classification: Likely benign for Cardiovascular phenotype; Hereditary cancer-predisposing syndrome. Last evaluated: 2018-12-06. Review status: criteria provided, single submitter. Criteria: Ambry Variant Classification Scheme 2023. Collection method: clinical testing. Allele origin: germline.

NM_001042492.3(NF1):c.2059C>T (p.Leu687=)

Gene: NF1 (neurofibromin 1; plus strand). Cytogenetic location: 17q11.2.
Variant type: single nucleotide variant.
Coding change: c.2059C>T on transcript NM_001042492.3 (MANE Select); coding-DNA position 2059, C replaced by T.
Protein change: p.Leu687=; no amino-acid change (leucine 687 retained).
Molecular consequence: synonymous variant.
Genome position (GRCh38, 1-based): chr17:31,226,492, C>T. VCF-style: chr17-31226492-C-T. GRCh37 (hg19) VCF-style: chr17-29553510-C-T.
Other names: c.2059C>T, p.Leu687= (NM_000267.4).
Identifiers: ClinVar variation 820620 (VCV000820620.12), dbSNP rs1597712422, ClinGen allele CA499443687.